The following is an entry in ClinVar:

NM_207122.2(EXT2):c.1136G>A (p.Ser379Asn)

Gene: EXT2 (exostosin glycosyltransferase 2; plus strand). Cytogenetic location: 11p11.2.
Variant type: single nucleotide variant.
Coding change: c.1136G>A on transcript NM_207122.2 (MANE Select); coding-DNA position 1136, G replaced by A.
Protein change: p.Ser379Asn; replaces serine 379 with asparagine.
Molecular consequence: missense variant.
Genome position (GRCh38, 1-based): chr11:44,130,101, G>A. VCF-style: chr11-44130101-G-A. GRCh37 (hg19) VCF-style: chr11-44151651-G-A.
Other names: c.1235G>A, p.Ser412Asn (NM_000401.3); c.1136G>A, p.Ser379Asn (NM_001178083.3, NM_001389628.1, NM_001389630.1); short protein forms S379N, S412N.
Identifiers: ClinVar variation 3625949 (VCV003625949.2).

ClinVar aggregate classification (germline): Uncertain significance (1 of 4 stars; one submission).

Conditions:
Exostoses, multiple, type 2 (EXT2). Also called: Hereditary Multiple Osteochondromatosis, Type II; EXOSTOSES, MULTIPLE, TYPE II. Identifiers: Orphanet 321, MedGen C1851413, MONDO:0007586, OMIM 133701.

Submission:

Labcorp Genetics (formerly Invitae), Labcorp
Classification: Uncertain significance for Exostoses, multiple, type 2. Last evaluated: 2024-08-12. Review status: criteria provided, single submitter. Criteria: Invitae Variant Classification Sherloc (09022015). Collection method: clinical testing. Allele origin: germline.
Comment: This sequence change replaces serine, which is neutral and polar, with asparagine, which is neutral and polar, at codon 379 of the EXT2 protein (p.Ser379Asn). This variant is not present in population databases (gnomAD no frequency). This variant has not been reported in the literature in individuals affected with EXT2-related conditions. Advanced modeling of protein sequence and biophysical properties (such as structural, functional, and spatial information, amino acid conservation, physicochemical variation, residue mobility, and thermodynamic stability) performed at Invitae indicates that this missense variant is not expected to disrupt EXT2 protein function with a negative predictive value of 80%. In summary, the available evidence is currently insufficient to determine the role of this variant in disease. Therefore, it has been classified as a Variant of Uncertain Significance.